The following is an entry in ClinVar:

NM_001367493.1(ARHGEF4):c.2435G>A (p.Gly812Glu)

Gene: ARHGEF4 (Rho guanine nucleotide exchange factor 4; plus strand). Cytogenetic location: 2q21.1.
Variant type: single nucleotide variant.
Coding change: c.2435G>A on transcript NM_001367493.1 (MANE Select); coding-DNA position 2435, G replaced by A.
Protein change: p.Gly812Glu; replaces glycine 812 with glutamic acid.
Molecular consequence: missense variant. On other transcripts: 5 prime UTR variant (1), intron variant (2).
Genome position (GRCh38, 1-based): chr2:130,916,381, G>A. VCF-style: chr2-130916381-G-A. GRCh37 (hg19) VCF-style: chr2-131673954-G-A.
Other names: c.-789G>A (NM_015320.4); c.-108-1016G>A (NM_001375901.1); c.40-14571G>A (NM_001375900.1); short protein forms G812E.
Identifiers: ClinVar variation 3025084 (VCV003025084.22), dbSNP rs543678247, ClinGen allele CA1874762.

ClinVar aggregate classification (germline): Likely benign (1 of 4 stars; one submission).

Allele frequency attached by ClinVar (database versions not stated): 1000 Genomes Project 30x 0.00031; ExAC 0.00072; gnomAD 0.00097; TOPMed 0.00105.
gnomAD v4.1: 1,887 of 1,535,482 alleles (0.12%); highest among the groups gnomAD compares: Non-Finnish European, 0.14%; 2 homozygotes.

Submission:

CeGaT Center for Human Genetics Tuebingen
Classification: Likely benign. Last evaluated: 2023-12-01. Review status: criteria provided, single submitter. Criteria: CeGaT Center For Human Genetics Tuebingen Variant Classification Criteria Version 2. Collection method: clinical testing. Allele origin: germline. Affected: yes. Observed: 1 variant allele.
Comment: ARHGEF4: BP4